The following is an entry in ClinVar:

ClinVar aggregate classification (germline): Uncertain significance (1 of 4 stars; one submission).

gnomAD v4.1: 3 of 1,614,056 alleles (0.00019%); highest among the groups gnomAD compares: African/African-American, 0.004%; no homozygotes.

Submission:

Labcorp Genetics (formerly Invitae), Labcorp
Classification: Uncertain significance. Last evaluated: 2025-11-11. Review status: criteria provided, single submitter. Criteria: Invitae Variant Classification Sherloc (09022015). Collection method: clinical testing. Allele origin: germline.
Comment: This sequence change replaces phenylalanine, which is neutral and non-polar, with leucine, which is neutral and non-polar, at codon 435 of the TCF20 protein (p.Phe435Leu). This variant is present in population databases (no rsID available, gnomAD 0.007%). This variant has not been reported in the literature in individuals affected with TCF20-related conditions. ClinVar contains an entry for this variant (Variation ID: 3617401). An algorithm developed to predict the effect of missense changes on protein structure and function outputs the following: PolyPhen-2: "Benign". The leucine amino acid residue is found in multiple mammalian species, which suggests that this missense change does not adversely affect protein function. In summary, the available evidence is currently insufficient to determine the role of this variant in disease. Therefore, it has been classified as a Variant of Uncertain Significance.

NM_001378418.1(TCF20):c.1303T>C (p.Phe435Leu)

Gene: TCF20 (transcription factor 20; minus strand). Cytogenetic location: 22q13.2.
Variant type: single nucleotide variant.
Coding change: c.1303T>C on transcript NM_001378418.1 (MANE Select); coding-DNA position 1303, T replaced by C.
Protein change: p.Phe435Leu; replaces phenylalanine 435 with leucine.
Molecular consequence: missense variant.
Genome position (GRCh38, 1-based): chr22:42,214,003, A>G on the plus strand (T>C on the coding strand, the complement: TCF20 is on the minus strand). VCF-style: chr22-42214003-A-G. GRCh37 (hg19) VCF-style: chr22-42610009-A-G.
Other names: c.1303T>C, p.Phe435Leu (NM_005650.4, NM_181492.3); short protein forms F435L.
Identifiers: ClinVar variation 3617401 (VCV003617401.2).